The following is an entry in ClinVar:

ClinVar aggregate classification (germline): Conflicting classifications of pathogenicity. Review status: criteria provided, conflicting classifications (1 of 4 stars). 4 submissions from 4 submitters: Uncertain significance (1); Likely benign (3). Last evaluated 2025-10-21.

Conditions:
MLPH-related disorder. Also called: MLPH-related condition.

Allele frequency attached by ClinVar (database versions not stated): gnomAD exomes 0.00022 and 0.00052; ExAC 0.00060; gnomAD 0.00144 and 0.00151; ESP Exome Variant Server 0.00162; TOPMed 0.00181; 1000 Genomes Project 0.00280; 1000 Genomes Project 30x 0.00312.
gnomAD v4.1: 557 of 1,613,052 alleles (0.035%); highest among the groups gnomAD compares: African/African-American, 0.57%; 1 homozygote.

Submissions (4):

Labcorp Genetics (formerly Invitae), Labcorp
Classification: Likely benign. Last evaluated: 2025-10-21. Review status: criteria provided, single submitter. Criteria: Invitae Variant Classification Sherloc (09022015). Collection method: clinical testing. Allele origin: germline.

Blueprint Genetics
Classification: Likely benign. Last evaluated: 2024-11-23. Review status: criteria provided, single submitter. Criteria: ACMG Guidelines, 2015. Collection method: clinical testing. Allele origin: germline.

PreventionGenetics, part of Exact Sciences
Classification: Likely benign for MLPH-related condition. Last evaluated: 2024-10-17. Review status: criteria provided, single submitter. Criteria: ACMG Guidelines, 2015. Collection method: clinical testing. Allele origin: germline.
Comment: This variant is classified as likely benign based on ACMG/AMP sequence variant interpretation guidelines (Richards et al. 2015 PMID: 25741868, with internal and published modifications).

GeneDx
Classification: Uncertain significance. Last evaluated: 2021-10-01. Review status: criteria provided, single submitter. Criteria: GeneDx Variant Classification Process June 2021. Collection method: clinical testing. Allele origin: germline. Affected: yes.
Comment: In silico analysis, which includes protein predictors and evolutionary conservation, supports that this variant does not alter protein structure/function; Has not been previously published as pathogenic or benign to our knowledge

NM_024101.7(MLPH):c.1240G>C (p.Glu414Gln)

Gene: MLPH (melanophilin; plus strand). Cytogenetic location: 2q37.3.
Variant type: single nucleotide variant.
Coding change: c.1240G>C on transcript NM_024101.7 (MANE Select); coding-DNA position 1240, G replaced by C.
Protein change: p.Glu414Gln; replaces glutamic acid 414 with glutamine.
Molecular consequence: missense variant. On other transcripts: non-coding transcript variant (1).
Genome position (GRCh38, 1-based): chr2:237,540,483, G>C. VCF-style: chr2-237540483-G-C. GRCh37 (hg19) VCF-style: chr2-238449126-G-C.
Other names: c.1156G>C, p.Glu386Gln (NM_001042467.3); c.1036G>C, p.Glu346Gln (NM_001281473.2); c.811G>C, p.Glu271Gln (NM_001281474.2); short protein forms E271Q, E346Q, E414Q, E386Q.
Identifiers: ClinVar variation 780370 (VCV000780370.13), dbSNP rs61737688, ClinGen allele CA2190527.